The following is an entry in ClinVar:

NM_000236.3(LIPC):c.587C>T (p.Ala196Val)

Gene: LIPC (lipase C, hepatic type; plus strand). Cytogenetic location: 15q21.3.
Variant type: single nucleotide variant.
Coding change: c.587C>T on transcript NM_000236.3 (MANE Select); coding-DNA position 587, C replaced by T.
Protein change: p.Ala196Val; replaces alanine 196 with valine.
Molecular consequence: missense variant.
Genome position (GRCh38, 1-based): chr15:58,545,754, C>T. VCF-style: chr15-58545754-C-T. GRCh37 (hg19) VCF-style: chr15-58837953-C-T.
Other names: short protein forms A196V.
Identifiers: ClinVar variation 2990799 (VCV002990799.3), dbSNP rs374328131, ClinGen allele CA7584935.

ClinVar aggregate classification (germline): Uncertain significance (1 of 4 stars; one submission).

Allele frequency attached by ClinVar (database versions not stated): ExAC 0.00001; gnomAD 0.00003; TOPMed 0.00003; ESP Exome Variant Server 0.00008.
gnomAD v4.1: 14 of 1,614,042 alleles (0.00087%); highest among the groups gnomAD compares: African/African-American, 0.008%; no homozygotes.

Submission:

Labcorp Genetics (formerly Invitae), Labcorp
Classification: Uncertain significance. Last evaluated: 2023-03-20. Review status: criteria provided, single submitter. Criteria: Invitae Variant Classification Sherloc (09022015). Collection method: clinical testing. Allele origin: germline.
Comment: In summary, the available evidence is currently insufficient to determine the role of this variant in disease. Therefore, it has been classified as a Variant of Uncertain Significance. This sequence change replaces alanine, which is neutral and non-polar, with valine, which is neutral and non-polar, at codon 196 of the LIPC protein (p.Ala196Val). This variant is present in population databases (rs374328131, gnomAD 0.01%). This variant has not been reported in the literature in individuals affected with LIPC-related conditions. Advanced modeling of protein sequence and biophysical properties (such as structural, functional, and spatial information, amino acid conservation, physicochemical variation, residue mobility, and thermodynamic stability) performed at Invitae indicates that this missense variant is expected to disrupt LIPC protein function.